The following is an entry in ClinVar:

NM_000238.4(KCNH2):c.949A>C (p.Asn317His)

Gene: KCNH2 (potassium voltage-gated channel subfamily H member 2; minus strand). Cytogenetic location: 7q36.1.
Variant type: single nucleotide variant.
Coding change: c.949A>C on transcript NM_000238.4 (MANE Select); coding-DNA position 949, A replaced by C.
Protein change: p.Asn317His; replaces asparagine 317 with histidine.
Molecular consequence: missense variant. On other transcripts: non-coding transcript variant (1).
Genome position (GRCh38, 1-based): chr7:150,957,470, T>G on the plus strand (A>C on the coding strand, the complement: KCNH2 is on the minus strand). VCF-style: chr7-150957470-T-G. GRCh37 (hg19) VCF-style: chr7-150654558-T-G.
Other names: c.661A>C, p.Asn221His (NM_001406753.1, NM_001406756.1); c.772A>C, p.Asn258His (NM_001406755.1); c.649A>C, p.Asn217His (NM_001406757.1); c.949A>C, p.Asn317His (NM_172056.3); short protein forms N217H, N221H, N258H, N317H.
Identifiers: ClinVar variation 4756482 (VCV004756482.2).

ClinVar aggregate classification (germline): Uncertain significance. Review status: criteria provided, multiple submitters, no conflicts (2 of 4 stars). 2 submissions from 2 submitters: Uncertain significance (2). Last evaluated 2025-11-17.

Conditions:
Cardiac arrhythmia. Also called: Cardiac rhythm disease; Arrhythmia. Identifiers: MedGen C0003811, MONDO:0007263, HP:0011675.
Long QT syndrome (LQTS). Identifiers: MedGen C0023976, MeSH D008133, MONDO:0002442. Disease mechanism: loss of function. Inheritance: Various modes of inheritance.

gnomAD v4.1: 2 of 1,613,804 alleles (0.00012%); highest among the groups gnomAD compares: African/African-American, 0.0027%; no homozygotes.

Submissions (2):

Labcorp Genetics (formerly Invitae), Labcorp
Classification: Uncertain significance for Long QT syndrome. Last evaluated: 2025-11-17. Review status: criteria provided, single submitter. Criteria: Invitae Variant Classification Sherloc (09022015). Collection method: clinical testing. Allele origin: germline.
Comment: This sequence change replaces asparagine, which is neutral and polar, with histidine, which is basic and polar, at codon 317 of the KCNH2 protein (p.Asn317His). This variant is not present in population databases (gnomAD no frequency). This variant has not been reported in the literature in individuals affected with KCNH2-related conditions. An algorithm developed to predict the effect of missense changes on protein structure and function (PolyPhen-2) suggests that this variant is likely to be disruptive. In summary, the available evidence is currently insufficient to determine the role of this variant in disease. Therefore, it has been classified as a Variant of Uncertain Significance.

Color Diagnostics, LLC DBA Color Health
Classification: Uncertain significance for Cardiac arrhythmia. Last evaluated: 2025-09-05. Review status: criteria provided, single submitter. Criteria: ACMG Guidelines, 2015. Collection method: clinical testing. Allele origin: germline.
Comment: This missense variant replaces asparagine with histidine at codon 317 of the KCNH2 protein. Computational prediction is inconclusive regarding the impact of this variant on protein structure and function. To our knowledge, functional studies have not been reported for this variant. This variant has not been reported in individuals affected with KCNH2-related disorders in the literature. This variant has not been identified in the general population by the Genome Aggregation Database (gnomAD). The available evidence is insufficient to determine the role of this variant in disease conclusively. Therefore, this variant is classified as a Variant of Uncertain Significance.